The following is an entry in ClinVar:

NC_000005.9:g.(?_142779201)_(142780404_?)del

Gene: NR3C1 (nuclear receptor subfamily 3 group C member 1; minus strand). Cytogenetic location: 5q31.3.
Variant type: Deletion.
Identifiers: ClinVar variation 3246454 (VCV003246454.1).

ClinVar aggregate classification (germline): Pathogenic (1 of 4 stars; one submission).

Submission:

Labcorp Genetics (formerly Invitae), Labcorp
Classification: Pathogenic. Last evaluated: 2023-12-11. Review status: criteria provided, single submitter. Criteria: Invitae Variant Classification Sherloc (09022015). Collection method: clinical testing. Allele origin: unknown.
Comment: This variant is a gross deletion of the genomic region encompassing exon(s) 2 of the NR3C1 gene, which includes the initiator codon. This deletion extends beyond the assayed region for this gene and therefore may encompass additional genes. It is expected to result in an absent or disrupted protein product. Loss-of-function variants in NR3C1 are known to be pathogenic (PMID: 18697839, 21042587). This variant has not been reported in the literature in individuals affected with NR3C1-related conditions. For these reasons, this variant has been classified as Pathogenic.

Literature cited by the submitters: PubMed 18697839; PubMed 21042587.